The following is an entry in ClinVar:

NM_182961.4(SYNE1):c.12953C>T (p.Thr4318Met)

Gene: SYNE1 (spectrin repeat containing nuclear envelope protein 1; minus strand). Cytogenetic location: 6q25.2.
Variant type: single nucleotide variant.
Coding change: c.12953C>T on transcript NM_182961.4 (MANE Select); coding-DNA position 12953, C replaced by T.
Protein change: p.Thr4318Met; replaces threonine 4318 with methionine.
Molecular consequence: missense variant.
Genome position (GRCh38, 1-based): chr6:152,331,732, G>A on the plus strand (C>T on the coding strand, the complement: SYNE1 is on the minus strand). VCF-style: chr6-152331732-G-A. GRCh37 (hg19) VCF-style: chr6-152652867-G-A.
Other names: c.12740C>T, p.Thr4247Met (NM_033071.5); c.12953C>T (NM_182961.2); short protein forms T4247M, T4318M.
Identifiers: ClinVar variation 782105 (VCV000782105.10), dbSNP rs200825287, ClinGen allele CA4056282.

ClinVar aggregate classification (germline): Likely benign. Review status: criteria provided, multiple submitters, no conflicts (2 of 4 stars). 2 submissions from 2 submitters: Likely benign (2). Last evaluated 2025-08-19.

Conditions:
Emery-Dreifuss muscular dystrophy 4, autosomal dominant (EDMD4). Also called: EMERY-DREIFUSS MUSCULAR DYSTROPHY 4 WITH VARIABLE FEATURES. Identifiers: Orphanet 261, MedGen C2751807, MONDO:0013071, OMIM 612998.
Autosomal recessive ataxia, Beauce type. Also called: Spinocerebellar ataxia, autosomal recessive 8; ATAXIA, RECESSIVE, OF BEAUCE; SYNE1 Deficiency; SYNE1-Related Autosomal Recessive Cerebellar Ataxia. Identifiers: Orphanet 88644, MedGen C1853116, MONDO:0012549, OMIM 610743.

Allele frequency attached by ClinVar (database versions not stated): TOPMed 0.00006; gnomAD 0.00031.
gnomAD v4.1: 313 of 1,614,092 alleles (0.019%); highest among the groups gnomAD compares: East Asian, 0.047%; no homozygotes.

Submissions (2):

Athena Diagnostics
Classification: Likely benign. Last evaluated: 2025-08-19. Review status: criteria provided, single submitter. Criteria: Athena Diagnostics Criteria. Collection method: clinical testing. Allele origin: unknown.
Comment: The frequency of this variant in the general population is higher than would generally be expected for pathogenic variants in this gene.

Labcorp Genetics (formerly Invitae), Labcorp
Classification: Likely benign for Emery-Dreifuss muscular dystrophy 4, autosomal dominant; Autosomal recessive ataxia, Beauce type. Last evaluated: 2024-10-31. Review status: criteria provided, single submitter. Criteria: Invitae Variant Classification Sherloc (09022015). Collection method: clinical testing. Allele origin: germline.